The following is an entry in ClinVar:

NM_206933.4(USH2A):c.2993+1G>A

Genes: USH2A (usherin; minus strand), USH2A-AS1 (USH2A antisense RNA 1; plus strand). Cytogenetic location: 1q41.
Variant type: single nucleotide variant.
Coding change: c.2993+1G>A on transcript NM_206933.4 (MANE Select); the canonical splice donor site of the intron after coding-DNA position 2993, G replaced by A.
Molecular consequence: splice donor variant.
Genome position (GRCh38, 1-based): chr1:216,231,952, C>T on the plus strand (G>A on the coding strand, the complement: USH2A is on the minus strand). VCF-style: chr1-216231952-C-T. GRCh37 (hg19) VCF-style: chr1-216405294-C-T.
Other names: c.2993+1G>A (NM_007123.6).
Identifiers: ClinVar variation 3729321 (VCV003729321.4).

ClinVar aggregate classification (germline): Pathogenic/Likely pathogenic. Review status: criteria provided, multiple submitters, no conflicts (2 of 4 stars). 3 submissions from 3 submitters: Pathogenic (1); Likely pathogenic (2). Last evaluated 2026-03-12.

Conditions:
USH2A-related disorder. Also called: USH2A-related condition; USH2A-related disorders. Identifiers: MedGen CN239332.

gnomAD v4.1: 1 of 1,613,868 alleles (0.000062%); highest among the groups gnomAD compares: Non-Finnish European, 0.000085%; no homozygotes.

Submissions (3):

Myriad Genetics, Inc.
Classification: Likely pathogenic for USH2A-related disorder. Last evaluated: 2026-03-12. Review status: criteria provided, single submitter. Criteria: Myriad Autosomal Dominant, Autosomal Recessive and X-Linked Classification Criteria (2023). Collection method: clinical testing. Allele origin: unknown.
Comment: NM_206933.2(USH2A):c.2993+1G>A is a variant in a canonical splice site classified as likely pathogenic in the context of USH2A-related disorders. c.2993+1G>A has not been observed in cases with relevant disease. Relevant functional assessments of this variant are not available in the literature. c.2993+1G>A has not been observed in referenced population frequency databases. In summary, NM_206933.2(USH2A):c.2993+1G>A is a variant in a canonical splice site in a gene where loss of function is a known mechanism of disease and is predicted to disrupt protein function. Please note: this variant was assessed in the context of healthy population screening.

Labcorp Genetics (formerly Invitae), Labcorp
Classification: Pathogenic. Last evaluated: 2025-02-20. Review status: criteria provided, single submitter. Criteria: Invitae Variant Classification Sherloc (09022015). Collection method: clinical testing. Allele origin: germline.
Comment: This sequence change affects a donor splice site in intron 14 of the USH2A gene. It is expected to disrupt RNA splicing. Variants that disrupt the donor or acceptor splice site typically lead to a loss of protein function (PMID: 16199547), and loss-of-function variants in USH2A are known to be pathogenic (PMID: 10729113, 10909849, 20507924, 25649381). This variant is not present in population databases (gnomAD no frequency). Disruption of this splice site has been observed in individual(s) with clinical features of Usher syndrome (internal data). In at least one individual the data is consistent with being in trans (on the opposite chromosome) from a pathogenic variant. Algorithms developed to predict the effect of sequence changes on RNA splicing suggest that this variant may disrupt the consensus splice site. For these reasons, this variant has been classified as Pathogenic.

Blueprint Genetics
Classification: Likely pathogenic for USH2A-related disorders. Last evaluated: 2019-08-26. Review status: criteria provided, single submitter. Criteria: ACMG Guidelines, 2015. Collection method: clinical testing. Allele origin: germline. Affected: yes. Observed: 1 variant allele.

Literature cited by the submitters: PubMed 16199547 (cited by Labcorp Genetics (formerly Invitae), Labcorp); PubMed 10729113 (cited by Labcorp Genetics (formerly Invitae), Labcorp); PubMed 10909849 (cited by Labcorp Genetics (formerly Invitae), Labcorp); PubMed 20507924 (cited by Labcorp Genetics (formerly Invitae), Labcorp); PubMed 25649381 (cited by Labcorp Genetics (formerly Invitae), Labcorp).